The following is an entry in ClinVar:

NM_016955.4(SEPSECS):c.313C>T (p.Gln105Ter)

Gene: SEPSECS (Sep (O-phosphoserine) tRNA:Sec (selenocysteine) tRNA synthase; minus strand). Cytogenetic location: 4p15.2.
Variant type: single nucleotide variant.
Coding change: c.313C>T on transcript NM_016955.4 (MANE Select); coding-DNA position 313, C replaced by T.
Protein change: p.Gln105Ter; replaces glutamine 105 with a stop codon.
Molecular consequence: nonsense.
Genome position (GRCh38, 1-based): chr4:25,156,931, G>A on the plus strand (C>T on the coding strand, the complement: SEPSECS is on the minus strand). VCF-style: chr4-25156931-G-A. GRCh37 (hg19) VCF-style: chr4-25158553-G-A.
Other names: c.313C>T (NM_016955.3); short protein forms Q105*.
Identifiers: ClinVar variation 1071583 (VCV001071583.9), dbSNP rs753121056, ClinGen allele CA2877481.
Genomic context (GRCh38, chr4:25,156,931, plus strand): 5'-TGTCCAGGACCAAAGAATTGGTAATTTTGTTCAAAAGGCTAGAGCCTGCAGCTTTTGGTT[G>A]CACAGCAGAAATATCACCGGATCGTCCAATGCCATGAATGAACCTAAGCAAAAAATGGGC-3'

ClinVar aggregate classification (germline): Pathogenic/Likely pathogenic. Review status: criteria provided, multiple submitters, no conflicts (2 of 4 stars). 3 submissions from 3 submitters: Pathogenic (2); Likely pathogenic (1). Last evaluated 2026-08-28.

Conditions:
Pontocerebellar hypoplasia type 2D (PCH2D). Also called: Progressive cerebello-cerebral atrophy. Identifiers: Orphanet 247198, Orphanet 2524, MedGen C3151140, MONDO:0013438, OMIM 613811.

Allele frequency attached by ClinVar (database versions not stated): gnomAD 0.00001; TOPMed 0.00002; gnomAD exomes 0.00003 and 0.00004; ExAC 0.00007.
gnomAD v4.1: 39 of 1,613,098 alleles (0.0024%); highest among the groups gnomAD compares: Non-Finnish European, 0.0026%; no homozygotes.

Submissions (3):

Myriad Genetics, Inc.
Classification: Pathogenic for Pontocerebellar hypoplasia type 2D. Last evaluated: 2026-08-28. Review status: criteria provided, single submitter. Criteria: Myriad Autosomal Dominant, Autosomal Recessive and X-Linked Classification Criteria (2023). Collection method: clinical testing. Allele origin: unknown.
Comment: NM_016955.3(SEPSECS):c.313C>T(Q105*) is a nonsense variant classified as pathogenic in the context of pontocerebellar hypoplasia, SEPSECS-related. Q105* has not been observed in cases with relevant disease. Relevant functional assessments of this variant are not available in the literature. Q105* has been observed in referenced population frequency databases. In summary, NM_016955.3(SEPSECS):c.313C>T(Q105*) is a nonsense variant in a gene where loss of function is a known mechanism of disease and is predicted to disrupt protein function. Please note: this variant was assessed in the context of healthy population screening.

Natera, Inc.
Classification: Likely pathogenic for Pontocerebellar hypoplasia type 2d. Last evaluated: 2024-06-27. Review status: criteria provided, single submitter. Criteria: Natera Variant Classification Schema (03/2026). Collection method: clinical testing. Allele origin: germline.
Comment: The c.313C>T variant in SEPSECS is a nonsense variant predicted to introduce a stop codon at amino acid 105. This variant is expected to result in nonsense mediated decay, truncation, or a dysfunctional protein product. This variant is rare in the general population with a frequency below the threshold expected for the associated phenotype(s). Given the available evidence, this variant is classified as Likely Pathogenic.

Labcorp Genetics (formerly Invitae), Labcorp
Classification: Pathogenic. Last evaluated: 2023-11-04. Review status: criteria provided, single submitter. Criteria: Invitae Variant Classification Sherloc (09022015). Collection method: clinical testing. Allele origin: germline.
Comment: This sequence change creates a premature translational stop signal (p.Gln105*) in the SEPSECS gene. It is expected to result in an absent or disrupted protein product. Loss-of-function variants in SEPSECS are known to be pathogenic (PMID: 25558065, 25590979, 26115735). This variant is present in population databases (rs753121056, gnomAD 0.02%). This variant has not been reported in the literature in individuals affected with SEPSECS-related conditions. ClinVar contains an entry for this variant (Variation ID: 1071583). Algorithms developed to predict the effect of sequence changes on RNA splicing suggest that this variant may disrupt the consensus splice site. For these reasons, this variant has been classified as Pathogenic.

Literature cited by the submitters: PubMed 25558065 (cited by Labcorp Genetics (formerly Invitae), Labcorp); PubMed 25590979 (cited by Labcorp Genetics (formerly Invitae), Labcorp); PubMed 26115735 (cited by Labcorp Genetics (formerly Invitae), Labcorp).